The following is an entry in ClinVar:

NM_002184.4(IL6ST):c.2155A>C (p.Ile719Leu)

Gene: IL6ST (interleukin 6 cytokine family signal transducer; minus strand). Cytogenetic location: 5q11.2.
Variant type: single nucleotide variant.
Coding change: c.2155A>C on transcript NM_002184.4 (MANE Select); coding-DNA position 2155, A replaced by C.
Protein change: p.Ile719Leu; replaces isoleucine 719 with leucine.
Molecular consequence: missense variant. On other transcripts: 3 prime UTR variant (1), non-coding transcript variant (2).
Genome position (GRCh38, 1-based): chr5:55,941,684, T>G on the plus strand (A>C on the coding strand, the complement: IL6ST is on the minus strand). VCF-style: chr5-55941684-T-G. GRCh37 (hg19) VCF-style: chr5-55237512-T-G.
Other names: c.1972A>C, p.Ile658Leu (NM_001190981.2); c.2053A>C, p.Ile685Leu (NM_001364275.2); c.1945A>C, p.Ile649Leu (NM_001364276.2); c.1288A>C, p.Ile430Leu (NM_001364277.2); c.1252A>C, p.Ile418Leu (NM_001364278.2); c.1159A>C, p.Ile387Leu (NM_001364279.2); c.*1082A>C (NM_175767.3); short protein forms I418L, I430L, I658L, I685L, I719L, I387L, I649L.
Identifiers: ClinVar variation 2984304 (VCV002984304.3), dbSNP rs773888810, ClinGen allele CA359779457.

ClinVar aggregate classification (germline): Uncertain significance (1 of 4 stars; one submission).

Allele frequency attached by ClinVar (database versions not stated): TOPMed 0.00001.

Submission:

Labcorp Genetics (formerly Invitae), Labcorp
Classification: Uncertain significance. Last evaluated: 2024-12-05. Review status: criteria provided, single submitter. Criteria: Invitae Variant Classification Sherloc (09022015). Collection method: clinical testing. Allele origin: germline.
Comment: This sequence change replaces isoleucine, which is neutral and non-polar, with leucine, which is neutral and non-polar, at codon 719 of the IL6ST protein (p.Ile719Leu). This variant is not present in population databases (gnomAD no frequency). This variant has not been reported in the literature in individuals affected with IL6ST-related conditions. ClinVar contains an entry for this variant (Variation ID: 2984304). An algorithm developed to predict the effect of missense changes on protein structure and function outputs the following: PolyPhen-2: "Benign". The leucine amino acid residue is found in multiple mammalian species, which suggests that this missense change does not adversely affect protein function. In summary, the available evidence is currently insufficient to determine the role of this variant in disease. Therefore, it has been classified as a Variant of Uncertain Significance.